The following is an entry in ClinVar:

ClinVar aggregate classification (germline): Uncertain significance (1 of 4 stars; one submission).

Conditions:
Niemann-Pick disease, type A. Also called: SPHINGOMYELIN LIPIDOSIS; SPHINGOMYELINASE DEFICIENCY; Infantile Neurovisceral ASMD (Niemann-Pick Disease Type A; NPD-A). Identifiers: Orphanet 77292, MedGen C0268242, MONDO:0009756, OMIM 257200. Disease mechanism: loss of function.
Niemann-Pick disease, type B. Also called: Chronic Visceral ASMD (Niemann-Pick Disease Type B; NPD-B). Identifiers: Orphanet 77293, MedGen C0268243, MONDO:0011871, OMIM 607616. Disease mechanism: loss of function.

Submission:

Labcorp Genetics (formerly Invitae), Labcorp
Classification: Uncertain significance for Niemann-Pick disease, type B; Niemann-Pick disease, type A. Last evaluated: 2024-10-22. Review status: criteria provided, single submitter. Criteria: Invitae Variant Classification Sherloc (09022015). Collection method: clinical testing. Allele origin: germline.
Comment: This sequence change replaces threonine, which is neutral and polar, with isoleucine, which is neutral and non-polar, at codon 278 of the SMPD1 protein (p.Thr278Ile). This variant is not present in population databases (gnomAD no frequency). This variant has not been reported in the literature in individuals affected with SMPD1-related conditions. ClinVar contains an entry for this variant (Variation ID: 2114769). Invitae Evidence Modeling of protein sequence and biophysical properties (such as structural, functional, and spatial information, amino acid conservation, physicochemical variation, residue mobility, and thermodynamic stability) has been performed for this missense variant. However, the output from this modeling did not meet the statistical confidence thresholds required to predict the impact of this variant on SMPD1 protein function. In summary, the available evidence is currently insufficient to determine the role of this variant in disease. Therefore, it has been classified as a Variant of Uncertain Significance.

NM_000543.5(SMPD1):c.833C>T (p.Thr278Ile)

Gene: SMPD1 (sphingomyelin phosphodiesterase 1; plus strand). Cytogenetic location: 11p15.4.
Variant type: single nucleotide variant.
Coding change: c.833C>T on transcript NM_000543.5 (MANE Select); coding-DNA position 833, C replaced by T.
Protein change: p.Thr278Ile; replaces threonine 278 with isoleucine.
Molecular consequence: missense variant. On other transcripts: 5 prime UTR variant (1), non-coding transcript variant (1).
Genome position (GRCh38, 1-based): chr11:6,391,898, C>T. VCF-style: chr11-6391898-C-T. GRCh37 (hg19) VCF-style: chr11-6413128-C-T.
Other names: c.830C>T, p.Thr277Ile (NM_001007593.3); c.833C>T, p.Thr278Ile (NM_001318087.2, NM_001365135.2); c.-129C>T (NM_001318088.2); short protein forms T277I, T278I.
Identifiers: ClinVar variation 2114769 (VCV002114769.4), dbSNP rs2493806972, ClinGen allele CA379371112.
Genomic context (GRCh38, chr11:6,391,898, plus strand): 5'-CCCTGGAGAGCCTGTTGAGTGGGCTGGGCCCAGCCGGCCCTTTTGATATGGTGTACTGGA[C>T]AGGAGACATCCCCGCACATGATGTCTGGCACCAGACTCGTCAGGACCAACTGCGGGCCCT-3'
Protein context (NP_000534.3, residues 268-288): PAGPFDMVYW[Thr278Ile]GDIPAHDVWH